The following is an entry in ClinVar:

ClinVar aggregate classification (germline): Conflicting classifications of pathogenicity. Review status: criteria provided, conflicting classifications (1 of 4 stars). 3 submissions from 3 submitters: Uncertain significance (2); Likely benign (1). Last evaluated 2025-07-14.

Conditions:
Cardiovascular phenotype. Identifiers: MedGen CN230736.
Myofibrillar myopathy 4. Also called: Zaspopathy (type). Identifiers: Orphanet 98912, MedGen C4721886, MONDO:0012277, OMIM 609452.

Allele frequency attached by ClinVar (database versions not stated): gnomAD exomes below 0.00001 and 0.00001; ExAC 0.00001; gnomAD 0.00001; TOPMed 0.00001.
gnomAD v4.1: 4 of 1,613,062 alleles (0.00025%); highest among the groups gnomAD compares: African/African-American, 0.004%; no homozygotes.

Submissions (3):

Ambry Genetics
Classification: Likely benign for Cardiovascular phenotype. Last evaluated: 2025-07-14. Review status: criteria provided, single submitter. Criteria: Ambry Variant Classification Scheme 2023. Collection method: clinical testing. Allele origin: germline.

Labcorp Genetics (formerly Invitae), Labcorp
Classification: Uncertain significance for Myofibrillar myopathy 4. Last evaluated: 2021-12-24. Review status: criteria provided, single submitter. Criteria: Invitae Variant Classification Sherloc (09022015). Collection method: clinical testing. Allele origin: germline.
Comment: In summary, the available evidence is currently insufficient to determine the role of this variant in disease. Therefore, it has been classified as a Variant of Uncertain Significance. This sequence change replaces alanine, which is neutral and non-polar, with glycine, which is neutral and non-polar, at codon 339 of the LDB3 protein (p.Ala339Gly). This variant is present in population databases (rs764530865, gnomAD 0.007%). This missense change has been observed in individual(s) with hypertrophic cardiomyopathy (PMID: 32746448). ClinVar contains an entry for this variant (Variation ID: 228792). Experimental studies and prediction algorithms are not available or were not evaluated, and the functional significance of this variant is currently unknown. Algorithms developed to predict the effect of sequence changes on RNA splicing suggest that this variant may create or strengthen a splice site. The LDB3 gene has multiple clinically relevant transcripts. This variant occurs in alternate transcript NM_007078.3, and corresponds to NM_001080116.1:c.*7276C>G in the primary transcript.

Laboratory for Molecular Medicine, Mass General Brigham Personalized Medicine
Classification: Uncertain significance. Last evaluated: 2017-08-04. Review status: criteria provided, single submitter. Criteria: LMM Criteria. Collection method: clinical testing. Allele origin: germline. Observed: 1 variant allele.
Comment: The p.Ala339Gly variant in LDB3 has not been previously reported in individuals with cardiomyopathy, but has been identified in 1/15204 African chromosomes by t he Genome Aggregation Database (gnomAD). Compu tational prediction tools and conservation analysis suggest that this variant ma y not impact the protein, though this information is not predictive enough to ru le out pathogenicity. In summary, the clinical significance of the p.Ala339Gly v ariant is uncertain.

Literature cited by the submitters: PubMed 32746448 (cited by Ambry Genetics and Labcorp Genetics (formerly Invitae), Labcorp).

NM_007078.3(LDB3):c.1016C>G (p.Ala339Gly)

Gene: LDB3 (LIM domain binding 3; plus strand). Cytogenetic location: 10q23.2.
Variant type: single nucleotide variant.
Coding change: c.1016C>G on transcript NM_007078.3 (MANE Select); coding-DNA position 1016, C replaced by G.
Protein change: p.Ala339Gly; replaces alanine 339 with glycine.
Molecular consequence: missense variant. On other transcripts: intron variant (4).
Genome position (GRCh38, 1-based): chr10:86,706,650, C>G. VCF-style: chr10-86706650-C-G. GRCh37 (hg19) VCF-style: chr10-88466407-C-G.
Other names: c.875C>G, p.Ala292Gly (NM_001368066.1); c.897-3255C>G (NM_001368064.1, NM_001368065.1); c.1101-3255C>G (NM_001171610.2); c.756-3255C>G (NM_001080114.2); short protein forms A339G, A292G.
Identifiers: ClinVar variation 228792 (VCV000228792.15), dbSNP rs764530865, ClinGen allele CA5585031.